The following is an entry in ClinVar:

ClinVar aggregate classification (germline): Pathogenic (1 of 4 stars; one submission).

Conditions:
Familial hypocalciuric hypercalcemia (FHH). Also called: Familial benign hypercalcemia. Identifiers: Orphanet 405, MedGen C1809471, MONDO:0018458.
Autosomal dominant hypocalcemia 1 (HYPOC1). Also called: HYPOCALCEMIA, FAMILIAL. Identifiers: MedGen C3715128, MONDO:0011013, OMIM 601198.

Submission:

Labcorp Genetics (formerly Invitae), Labcorp
Classification: Pathogenic for Familial hypocalciuric hypercalcemia; Autosomal dominant hypocalcemia 1. Last evaluated: 2025-02-02. Review status: criteria provided, single submitter. Criteria: Invitae Variant Classification Sherloc (09022015). Collection method: clinical testing. Allele origin: germline.
Comment: This sequence change creates a premature translational stop signal (p.Gly778Alafs*57) in the CASR gene. While this is not anticipated to result in nonsense mediated decay, it is expected to disrupt the last 301 amino acid(s) of the CASR protein. This variant is not present in population databases (gnomAD no frequency). This variant has not been reported in the literature in individuals affected with CASR-related conditions. Experimental studies and prediction algorithms are not available or were not evaluated, and the functional significance of this variant is currently unknown. This variant disrupts a region of the CASR protein in which other variant(s) (p.Arg886Trp) have been determined to be pathogenic (PMID: 17698911). This suggests that this is a clinically significant region of the protein, and that variants that disrupt it are likely to be disease-causing. For these reasons, this variant has been classified as Pathogenic.

Literature cited by the submitters: PubMed 17698911.

NM_000388.4(CASR):c.2333_2339del (p.Gly778fs)

Gene: CASR (calcium sensing receptor; plus strand). Cytogenetic location: 3q21.1.
Variant type: Deletion.
Coding change: c.2333_2339del on transcript NM_000388.4 (MANE Select); coding-DNA positions 2333 to 2339, 7 bases deleted (GCTACAC; older notation c.2333_2339delGCTACAC).
Protein change: p.Gly778fs; shifts the reading frame from glycine 778.
Molecular consequence: frameshift variant.
Genome position (GRCh38, 1-based): chr3:122,284,287-122,284,293, GCTACAC deleted. VCF-style (leftmost placement, unchanged base first): chr3-122284286-GGCTACAC-G. GRCh37 (hg19) VCF-style: chr3-122003133-GGCTACAC-G.
Other names: c.2363_2369del, p.Gly788fs (NM_001178065.2); short protein forms G788fs, G778fs.
Identifiers: ClinVar variation 4784045 (VCV004784045.1).